The following is an entry in ClinVar:

NM_006846.4(SPINK5):c.753C>T (p.Gly251=)

Gene: SPINK5 (serine peptidase inhibitor Kazal type 5; plus strand). Cytogenetic location: 5q32.
Variant type: single nucleotide variant.
Coding change: c.753C>T on transcript NM_006846.4 (MANE Select); coding-DNA position 753, C replaced by T.
Protein change: p.Gly251=; no amino-acid change (glycine 251 retained).
Molecular consequence: synonymous variant.
Genome position (GRCh38, 1-based): chr5:148,094,440, C>T. VCF-style: chr5-148094440-C-T. GRCh37 (hg19) VCF-style: chr5-147474003-C-T.
Other names: c.753C>T, p.Gly251= (NM_001127698.2, NM_001127699.2).
Identifiers: ClinVar variation 570622 (VCV000570622.38), dbSNP rs376643233, ClinGen allele CA3495337.

ClinVar aggregate classification (germline): Likely benign. Review status: criteria provided, multiple submitters, no conflicts (2 of 4 stars). 3 submissions from 3 submitters: Likely benign (3). Last evaluated 2025-10-21.

Conditions:
Ichthyosis linearis circumflexa. Identifiers: MedGen C0265962, MONDO:0043106, HP:0025810.

Allele frequency attached by ClinVar (database versions not stated): ExAC 0.00004; gnomAD 0.00006; gnomAD exomes 0.00006 and 0.00009; TOPMed 0.00007; ESP Exome Variant Server 0.00008.
gnomAD v4.1: 139 of 1,612,646 alleles (0.0086%); highest among the groups gnomAD compares: Non-Finnish European, 0.011%; no homozygotes.

Submissions (3):

Labcorp Genetics (formerly Invitae), Labcorp
Classification: Likely benign for Ichthyosis linearis circumflexa. Last evaluated: 2025-10-21. Review status: criteria provided, single submitter. Criteria: Invitae Variant Classification Sherloc (09022015). Collection method: clinical testing. Allele origin: germline.

Blueprint Genetics
Classification: Likely benign. Last evaluated: 2024-07-30. Review status: criteria provided, single submitter. Criteria: ACMG Guidelines, 2015. Collection method: clinical testing. Allele origin: germline.

CeGaT Center for Human Genetics Tuebingen
Classification: Likely benign. Last evaluated: 2022-06-01. Review status: criteria provided, single submitter. Criteria: CeGaT Center For Human Genetics Tuebingen Variant Classification Criteria Version 2. Collection method: clinical testing. Allele origin: germline. Affected: yes. Observed: 1 variant allele.
Comment: SPINK5: BP7